The following is an entry in ClinVar:

NM_145886.4(PIDD1):c.2525G>A (p.Arg842His)

Gene: PIDD1 (p53-induced death domain protein 1; minus strand). Cytogenetic location: 11p15.5.
Variant type: single nucleotide variant.
Coding change: c.2525G>A on transcript NM_145886.4 (MANE Select); coding-DNA position 2525, G replaced by A.
Protein change: p.Arg842His; replaces arginine 842 with histidine.
Molecular consequence: missense variant.
Genome position (GRCh38, 1-based): chr11:799,515, C>T on the plus strand (G>A on the coding strand, the complement: PIDD1 is on the minus strand). VCF-style: chr11-799515-C-T. GRCh37 (hg19) VCF-style: chr11-799515-C-T.
Other names: c.2474G>A, p.Arg825His (NM_145887.4); short protein forms R825H, R842H.
Identifiers: ClinVar variation 4136363 (VCV004136363.3).

ClinVar aggregate classification (germline): Uncertain significance. Review status: criteria provided, multiple submitters, no conflicts (2 of 4 stars). 3 submissions from 3 submitters: Uncertain significance (3). Last evaluated 2026-02-01.

Conditions:
PIDD1-related disorder. Also called: PIDD1-related condition.
Inborn genetic diseases. Identifiers: MedGen C0950123, MeSH D030342.

gnomAD v4.1: 59 of 1,605,968 alleles (0.0037%); highest among the groups gnomAD compares: Admixed American, 0.023%; no homozygotes.

Submissions (3):

PreventionGenetics, part of Exact Sciences
Classification: Uncertain significance for PIDD1-related condition. Last evaluated: 2026-02-01. Review status: criteria provided, single submitter. Criteria: ACMG Guidelines, 2015. Collection method: clinical testing. Allele origin: germline.
Comment: The PIDD1 c.2525G>A variant is predicted to result in the amino acid substitution p.Arg842His. To our knowledge, this variant has not been reported in the literature. This variant is reported in 0.0057% of alleles in individuals of Latino descent in gnomAD. At this time, the clinical significance of this variant is uncertain due to the absence of conclusive functional and genetic evidence.

Ambry Genetics
Classification: Uncertain significance for Inborn genetic diseases. Last evaluated: 2025-08-23. Review status: criteria provided, single submitter. Criteria: Ambry Variant Classification Scheme 2023. Collection method: clinical testing. Allele origin: germline.

Blueprint Genetics
Classification: Uncertain significance. Last evaluated: 2024-05-15. Review status: criteria provided, single submitter. Criteria: ACMG Guidelines, 2015. Collection method: clinical testing. Allele origin: germline.